The following is an entry in ClinVar:

NM_032242.4(PLXNA1):c.614G>A (p.Arg205Gln)

Gene: PLXNA1 (plexin A1; plus strand). Cytogenetic location: 3q21.3.
Variant type: single nucleotide variant.
Coding change: c.614G>A on transcript NM_032242.4 (MANE Select); coding-DNA position 614, G replaced by A.
Protein change: p.Arg205Gln; replaces arginine 205 with glutamine.
Molecular consequence: missense variant.
Genome position (GRCh38, 1-based): chr3:126,989,207, G>A. VCF-style: chr3-126989207-G-A. GRCh37 (hg19) VCF-style: chr3-126708050-G-A.
Other names: short protein forms R205Q.
Identifiers: ClinVar variation 2632100 (VCV002632100.4), dbSNP rs147104661, ClinGen allele CA2593005.
Genomic context (GRCh38, chr3:126,989,207, plus strand): 5'-TCTTCGTGGGCACACCCATCGATGGCAAGTCCGAGTACTTCCCCACACTGTCCAGCCGTC[G>A]GCTCATGGCCAACGAGGAGGATGCCGACATGTTCGGCTTCGTGTACCAGGATGAGTTTGT-3'
Protein context (NP_115618.3, residues 195-215): SEYFPTLSSR[Arg205Gln]LMANEEDADM

ClinVar aggregate classification (germline): Uncertain significance. Review status: criteria provided, multiple submitters, no conflicts (2 of 4 stars). 3 submissions from 3 submitters: Uncertain significance (2). 1 of the submissions does not count toward it. Last evaluated 2025-08-05.

Conditions:
Dworschak-Punetha neurodevelopmental syndrome (DWOPNED). Identifiers: MedGen C5677017, MONDO:0859260, OMIM 619955.
PLXNA1-related disorder. Also called: PLXNA1-related condition.

Allele frequency attached by ClinVar (database versions not stated): TOPMed 0.00004; gnomAD 0.00005; ESP Exome Variant Server 0.00008.
gnomAD v4.1: 133 of 1,613,506 alleles (0.0082%); highest among the groups gnomAD compares: East Asian, 0.018%; no homozygotes.

Submissions (3):

Clinical Genomics Laboratory, Washington University in St. Louis
Classification: Uncertain significance for Dworschak-Punetha neurodevelopmental syndrome. Last evaluated: 2025-08-05. Review status: criteria provided, single submitter. Criteria: ACMG Guidelines, 2015. Collection method: clinical testing. Allele origin: germline.
Comment: The PLXNA1 c.614G>A (p.Arg205Gln) variant, to our knowledge, has not been reported in the medical literature. This variant is only observed in 9/282,580 alleles in the general population (gnomAD v2.1.1), indicating it is not a common variant. Computational predictors suggest that the variant does not impact PLXNA1 function. This variant has been reported in the ClinVar database as a germline variant of uncertain significance by two submitters (ClinVar Variation ID: 2632100). Due to limited information, and based on ACMG/AMP guidelines for variant interpretation (Richards S et al., PMID: 25741868), the clinical significance of this variant is uncertain at this time.

Ambry Genetics
Classification: Uncertain significance. Last evaluated: 2024-05-16. Review status: criteria provided, single submitter. Criteria: Ambry Variant Classification Scheme 2023. Collection method: clinical testing. Allele origin: germline.

PreventionGenetics, part of Exact Sciences
Classification: Uncertain significance for PLXNA1-related condition. Last evaluated: 2024-05-22. Review status: no assertion criteria provided. Collection method: clinical testing. Allele origin: germline. Not counted in ClinVar's aggregate classification.
Comment: The PLXNA1 c.614G>A variant is predicted to result in the amino acid substitution p.Arg205Gln. To our knowledge, this variant has not been reported in the literature. This variant is reported in 0.020% of alleles in individuals of East Asian descent in gnomAD. At this time, the clinical significance of this variant is uncertain due to the absence of conclusive functional and genetic evidence.